The following is an entry in ClinVar:

NM_003052.5(SLC34A1):c.244G>T (p.Glu82Ter)

Gene: SLC34A1 (solute carrier family 34 member 1; plus strand). Cytogenetic location: 5q35.3.
Variant type: single nucleotide variant.
Coding change: c.244G>T on transcript NM_003052.5 (MANE Select); coding-DNA position 244, G replaced by T.
Protein change: p.Glu82Ter; replaces glutamic acid 82 with a stop codon.
Molecular consequence: nonsense.
Genome position (GRCh38, 1-based): chr5:177,386,121, G>T. VCF-style: chr5-177386121-G-T. GRCh37 (hg19) VCF-style: chr5-176813122-G-T.
Other names: c.244G>T (NM_003052.4); c.244G>T, p.Glu82Ter (NM_001167579.2); short protein forms E82*.
Identifiers: ClinVar variation 1076059 (VCV001076059.11), dbSNP rs377186926, ClinGen allele CA3580305.
Genomic context (GRCh38, chr5:177,386,121, plus strand): 5'-TGCCCCTGTGGGGAGGTCCTGGAGCGCCATGAACCACTGCCTGCCAAGCTGGCCCTGGAG[G>T]AGGAGCAGAAGCCAGGTGGGCCTGGGCTGGGGGTGGCAGAGGCGGCAGCAGTCCCTGCCC-3'

ClinVar aggregate classification (germline): Conflicting classifications of pathogenicity. Review status: criteria provided, conflicting classifications (1 of 4 stars). 6 submissions from 6 submitters: Pathogenic (3); Likely pathogenic (2); Uncertain significance (1). Last evaluated 2025-03-12.

Conditions:
Hypercalcemia, infantile, 2 (HCINF2). Identifiers: Orphanet 300547, MedGen C4310473, MONDO:0014851, OMIM 616963.
Fanconi renotubular syndrome 2 (FRTS2). Identifiers: MedGen C3150652, MONDO:0013247, OMIM 613388.
Hypophosphatemic nephrolithiasis/osteoporosis 1. Identifiers: Orphanet 244305, MedGen C2676786, MONDO:0012850, OMIM 612286.

Allele frequency attached by ClinVar (database versions not stated): gnomAD 0.00005; ESP Exome Variant Server 0.00008; TOPMed 0.00006.

Submissions (6):

Variantyx, Inc.
Classification: Likely pathogenic for Hypercalcemia, infantile, 2. Last evaluated: 2025-03-12. Review status: criteria provided, single submitter. Criteria: Variantyx Assertion Criteria 2022. Collection method: clinical testing. Allele origin: paternal.
Comment: This is a nonsense variant in the SLC34A1 gene (OMIM: 182309). Pathogenic variants in this gene have been associated with autosomal recessive infantile hypercalcemia 2. This variant introduces a premature termination codon in exon 3 out of 13. It is expected to result in loss of function, which is a known disease mechanism for SLC34A1 in this disorder (PMID: 26047794) (PVS1). This variant has a 0.0173% maximum allele frequency in non-founder control populations (PM2_Supporting). Based on the current evidence, this variant is classified as likely pathogenic for autosomal recessive infantile hypercalcemia 2.

Institute of Human Genetics, University of Leipzig Medical Center
Classification: Pathogenic for Hypercalcemia, infantile, 2. Last evaluated: 2025-03-04. Review status: criteria provided, single submitter. Criteria: ACMG Guidelines, 2015. Collection method: clinical testing. Allele origin: unknown. Inheritance: Autosomal recessive inheritance. Affected: yes.
Comment: Criteria applied: PVS1,PM2

GeneDx
Classification: Uncertain significance. Last evaluated: 2024-10-18. Review status: criteria provided, single submitter. Criteria: GeneDx Variant Classification Process June 2021. Collection method: clinical testing. Allele origin: germline.
Comment: Identified as a heterozygous variant in an individual with recurrent kidney stones and hypercalciuria (PMID: 35923129); Nonsense variant predicted to result in protein truncation or nonsense mediated decay in a gene for which loss of function is a known mechanism of disease; This variant is associated with the following publications: (PMID: 35923129, 38544324, 38753084)

Fulgent Genetics
Classification: Likely pathogenic for Hypophosphatemic nephrolithiasis/osteoporosis 1; Fanconi renotubular syndrome 2; Hypercalcemia, infantile, 2. Last evaluated: 2024-04-20. Review status: criteria provided, single submitter. Criteria: ACMG Guidelines, 2015. Collection method: clinical testing. Allele origin: germline.

MVZ Medizinische Genetik Mainz
Classification: Pathogenic for Hypercalcemia, infantile, 2. Last evaluated: 2024-03-28. Review status: criteria provided, single submitter. Criteria: UK Practice Guidelines For Variant Classification V4 01 2020. Collection method: clinical testing. Allele origin: germline. Inheritance: Autosomal recessive inheritance. Affected: yes. Observed: 1 variant allele.
Comment: ACMG Criteria: PVS1,PM3_STR,PM2_SUP,PP4; Compound Heterozygote

Labcorp Genetics (formerly Invitae), Labcorp
Classification: Pathogenic. Last evaluated: 2023-10-22. Review status: criteria provided, single submitter. Criteria: Invitae Variant Classification Sherloc (09022015). Collection method: clinical testing. Allele origin: germline.
Comment: This sequence change creates a premature translational stop signal (p.Glu82*) in the SLC34A1 gene. It is expected to result in an absent or disrupted protein product. Loss-of-function variants in SLC34A1 are known to be pathogenic (PMID: 26047794). This variant is present in population databases (rs377186926, gnomAD 0.01%). This variant has not been reported in the literature in individuals affected with SLC34A1-related conditions. ClinVar contains an entry for this variant (Variation ID: 1076059). Algorithms developed to predict the effect of sequence changes on RNA splicing suggest that this variant may disrupt the consensus splice site. For these reasons, this variant has been classified as Pathogenic.

Literature cited by the submitters: PubMed 26047794 (cited by Labcorp Genetics (formerly Invitae), Labcorp).